The following is an entry in ClinVar:

ClinVar aggregate classification (germline): Pathogenic (1 of 4 stars; one submission).

Submission:

Labcorp Genetics (formerly Invitae), Labcorp
Classification: Pathogenic. Last evaluated: 2024-01-19. Review status: criteria provided, single submitter. Criteria: Invitae Variant Classification Sherloc (09022015). Collection method: clinical testing. Allele origin: germline.
Comment: This sequence change replaces glycine, which is neutral and non-polar, with valine, which is neutral and non-polar, at codon 224 of the EFTUD2 protein (p.Gly224Val). This variant is not present in population databases (gnomAD no frequency). This missense change has been observed in individual(s) with mandibulofacial dysostosis with microcephaly (PMID: 35435265). In at least one individual the variant was observed to be de novo. Advanced modeling of protein sequence and biophysical properties (such as structural, functional, and spatial information, amino acid conservation, physicochemical variation, residue mobility, and thermodynamic stability) performed at Invitae indicates that this missense variant is expected to disrupt EFTUD2 protein function with a positive predictive value of 80%. Experimental studies have shown that this missense change affects EFTUD2 function (PMID: 35435265). For these reasons, this variant has been classified as Pathogenic.

Literature cited by the submitters: PubMed 35435265.

NM_004247.4(EFTUD2):c.671G>T (p.Gly224Val)

Gene: EFTUD2 (elongation factor Tu GTP binding domain containing 2; minus strand). Cytogenetic location: 17q21.31.
Variant type: single nucleotide variant.
Coding change: c.671G>T on transcript NM_004247.4 (MANE Select); coding-DNA position 671, G replaced by T.
Protein change: p.Gly224Val; replaces glycine 224 with valine.
Molecular consequence: missense variant.
Genome position (GRCh38, 1-based): chr17:44,879,587, C>A on the plus strand (G>T on the coding strand, the complement: EFTUD2 is on the minus strand). VCF-style: chr17-44879587-C-A. GRCh37 (hg19) VCF-style: chr17-42956955-C-A.
Other names: c.566G>T, p.Gly189Val (NM_001142605.2); c.671G>T, p.Gly224Val (NM_001258353.2); c.641G>T, p.Gly214Val (NM_001258354.2); short protein forms G189V, G214V, G224V.
Identifiers: ClinVar variation 2710262 (VCV002710262.3), dbSNP rs2508819908, ClinGen allele CA399821851.